The following is an entry in ClinVar:

NM_000051.4(ATM):c.3078-11C>G

Gene: ATM (ATM serine/threonine kinase; plus strand). Cytogenetic location: 11q22.3.
Variant type: single nucleotide variant.
Coding change: c.3078-11C>G on transcript NM_000051.4 (MANE Select); 11 bases into the intron before coding-DNA position 3078, C replaced by G.
Molecular consequence: intron variant.
Genome position (GRCh38, 1-based): chr11:108,272,521, C>G. VCF-style: chr11-108272521-C-G. GRCh37 (hg19) VCF-style: chr11-108143248-C-G.
Other names: c.3078-11C>G (NM_001351834.2).
Identifiers: ClinVar variation 3324888 (VCV003324888.1).

ClinVar aggregate classification (germline): Likely pathogenic (1 of 4 stars; one submission).

Conditions:
Hereditary cancer-predisposing syndrome. Also called: Neoplastic Syndromes, Hereditary; Tumor predisposition; Hereditary neoplastic syndrome; Hereditary Cancer Syndrome. Identifiers: Orphanet 140162, MedGen C0027672, MeSH D009386, MONDO:0015356.

Submission:

Ambry Genetics
Classification: Likely pathogenic for Hereditary cancer-predisposing syndrome. Last evaluated: 2024-03-27. Review status: criteria provided, single submitter. Criteria: Ambry Variant Classification Scheme 2023. Collection method: clinical testing. Allele origin: germline.
Comment: The c.3078-11C>G intronic variant results from a C to G substitution 11 nucleotides upstream from coding exon 20 in the ATM gene. This nucleotide position is not well conserved in available vertebrate species. In silico splice site analysis predicts that this alteration will weaken the native splice acceptor site. RNA studies have demonstrated that this alteration results in abnormal splicing in the set of samples tested (Ambry internal data). Based on the majority of available evidence to date, this variant is likely to be pathogenic.